The following is an entry in ClinVar:

NM_000518.5(HBB):c.93G>T (p.Arg31Ser)

Genes: HBB (hemoglobin subunit beta; minus strand), LOC106099062 (HBB recombination region; plus strand), LOC107133510 (origin of replication at HBB; plus strand). Cytogenetic location: 11p15.4.
Variant type: single nucleotide variant.
Coding change: c.93G>T on transcript NM_000518.5 (MANE Select); coding-DNA position 93, G replaced by T.
Protein change: p.Arg31Ser; replaces arginine 31 with serine.
Molecular consequence: missense variant.
Genome position (GRCh38, 1-based): chr11:5,226,799, C>A on the plus strand (G>T on the coding strand, the complement: HBB is on the minus strand). VCF-style: chr11-5226799-C-A. GRCh37 (hg19) VCF-style: chr11-5248029-C-A.
Other names: R30S; Hb Tacoma; short protein forms R31S.
Identifiers: ClinVar variation 15368 (VCV000015368.26), dbSNP rs1135071, ClinGen allele CA125196.

ClinVar aggregate classification (germline): Uncertain significance. Review status: criteria provided, multiple submitters, no conflicts (2 of 4 stars). 8 submissions from 7 submitters: Uncertain significance (5). 3 of the submissions do not count toward it. Last evaluated 2026-02-19.

Conditions:
Beta-thalassemia HBB/LCRB. Identifiers: MedGen CN322236, MONDO:0013517, OMIM 613985.
Heinz body anemia. Also called: Heinz body hemolytic anemia. Identifiers: Orphanet 178330, MedGen C0700299, MONDO:0007705, OMIM 140700, HP:0005511.
beta Thalassemia (BTHAL). Also called: Cooley's anemia; Erythroblastic anemia; Mediterranean anemia. Identifiers: Orphanet 848, MedGen C0005283, MONDO:0019402. Disease mechanism: loss of function.

Allele frequency attached by ClinVar (database versions not stated): TOPMed below 0.00001; 1000 Genomes Project 30x 0.00016; 1000 Genomes Project 0.00020; gnomAD 0.00025; ExAC 0.00028; gnomAD exomes 0.00035.
gnomAD v4.1: 222 of 1,613,862 alleles (0.014%); highest among the groups gnomAD compares: Non-Finnish European, 0.00034%; no homozygotes.

Submissions (8):

Women's Health and Genetics/Laboratory Corporation of America, LabCorp
Classification: Uncertain significance. Last evaluated: 2026-02-19. Review status: criteria provided, single submitter. Criteria: LabCorp Variant Classification Summary - May 2015. Collection method: clinical testing. Allele origin: germline.
Comment: Variant summary: HBB c.93G>T (p.Arg31Ser) results in a non-conservative amino acid change located in the Globin domain (IPR000971) of the encoded protein sequence. Algorithms developed to predict the effect of missense changes on protein structure and function all suggest that this variant is likely to be disruptive. Several computational tools predict a significant impact on normal splicing: Three predict the variant weakens a 3' acceptor site. One predict the variant no significant impact on splicing. However, these predictions have yet to be confirmed by functional studies. The variant allele was found at a frequency of 0.00035 in 251316 control chromosomes. This frequency is not significantly higher than estimated for disease-causing variants in HBB, allowing no conclusion about variant significance. Hb Tacoma is used to describe the substitution of Arg-to-Ser at codon 31 (legacy codon 30) and can be due to either c.93G>T or c.93G>C. It has been reported in the literature in heterozygous individuals with no clinical or hematological abnormalities apart from mild anemia (Deacon-Smith_1978, Harano_1985, Moore_2021) and in one heterozygous individual who also carried Hb S and had normal hematological findings (Honig_1980). The variant was also found in multiuple homozygous individuals without clinical information (Kangastupa_2023). These reports do not provide unequivocal conclusions about association of the variant with Beta Thalassemia. Experimental evidence evaluating an impact on protein function demonstrate the variant to display in vitro instability, including a decreased alkaline Bohr effect and haem-haem interaction but normal oxygen affinity (Deacon-Smith_1978, Hayashi_1974). These data do not allow convincing conclusions about the variant effect The following publications have been ascertained in the context of this evaluation (PMID: 8226093, 6859036, 7357091, 711920, 3937827, 4407364, 10975446, 34233561, 36633442). ClinVar contains an entry for this variant (Variation ID: 15368). Based on the evidence outlined above, the variant was classified as uncertain significance.

ARUP Laboratories, Molecular Genetics and Genomics, ARUP Laboratories
Classification: Uncertain significance. Last evaluated: 2025-02-27. Review status: criteria provided, single submitter. Criteria: ARUP Molecular Germline Variant Investigation Process 2024. Collection method: clinical testing. Allele origin: germline.
Comment: The Hb Tacoma variant (HBB: c.93G>T; p.Arg31Ser, also known as Arg30Ser when numbered from the mature protein, HbVar ID: 289, rs1135071) is reported in the literature in the heterozygous state in individuals with mild anemia or no symptoms (Deacon-Smith 1978, Idelson 1974, Landin 1993, Moore 2021), and in one individual with Hb S who had sickle cell trait (Honig 1980). This variant is also reported in ClinVar (Variation ID: 15368) and is found in the Finnish European population with an allele frequency of 0.36% (90/25120 alleles) in the Genome Aggregation Database (v2.1.1). Computational analyses predict that this variant is deleterious (REVEL: 0.947). This variant is the first nucleotide of the exon, and computational analyses (Alamut Visual Plus v.1.5.1) predict that this variant may impact splicing by weakening the nearby canonical acceptor splice site. Functional analyses demonstrate a normal oxygen affinity but slight instability (Deacon-Smith 1978, Honig 1980). Due to conflicting information, the clinical significance of the Hb Tacoma variant is uncertain at this time. References: Link to HbVar database: Deacon-Smith RA and Lee-Potter JP. An unstable haemoglobin, Hb Tacoma beta30 (B12) arg leads to ser, detected at birth by the demonstration of red cell inclusions. J Clin Pathol. 1978 Sep;31(9):883-7. PMID: 711920. Honig GR et al. Two new sickle cell syndromes: HbS, Hb Camden, and alpha-thalassemia; and HbS in combination with Hb Tacoma. Blood. 1980 Apr;55(4):655-60. PMID: 7357091. Idelson LI et al. New unstable haemoglobin (Hb Moscva, beta24 (B4) Gly leads to Asp) found in the USSR. Nature. 1974 Jun 21;249(459):768-70. PMID: 4525423. Landin B and Jeppsson JO. Rare beta chain hemoglobin variants found in Swedish patients during HBA1c analysis. Hemoglobin. 1993 Aug;17(4):303-18. PMID: 8226093. Moore JA et al. Hb Tacoma: G>T or G>C, and Does It Matter? Hemoglobin. 2021 May;45(3):203-206. PMID: 34233561.

Quest Diagnostics Nichols Institute San Juan Capistrano
Classification: Uncertain significance. Last evaluated: 2024-07-26. Review status: criteria provided, single submitter. Criteria: Quest Diagnostics criteria. Collection method: clinical testing. Allele origin: unknown.
Comment: The HBB c.93G>T (p.Arg31Ser) variant has been reported in the published literature to have normal oxygen affinity but slightly reduced stability (HbVar, and PMIDs: 31553106 (2020), 7357091 (1980), 5785231 (1969), 5869485 (1965)). Individuals who are heterozygous for this variant have normal presentations (PMID: 5869485 (1965)) or mild anemia (PMIDs: 34233561 (2021), 8226093 (1993), 3937827 (1985)). Co-occurrence of this variant with Hb S presented as clinically healthy (PMID: 7357091 (1980)), but in combination with a beta(+)-thalassemia variant resulted in moderate microcytic anemia (PMID: 10975446 (2000)). Additionally, an individual who was compound heterozygous for Hb Tacoma caused by a different nucleotide change (c.93G>C, p.Arg31Ser) and a HBB pathogenic variant associated with beta(0)-thalassemia is reported to have transfusion-dependent beta thalassemia (PMID: 9140720 (1997)). The frequency of this variant in the general population, 0.0036 (90/25120 chromosomes (Genome Aggregation Database)), is uninformative in the assessment of its pathogenicity. Analysis of this variant using software algorithms for the prediction of the effect of nucleotide changes on splicing yielded predictions that this variant may affect proper HBB mRNA splicing. Based on the available information, we are unable to determine the clinical significance of this variant.

MGZ Medical Genetics Center
Classification: Uncertain significance for Beta-thalassemia HBB/LCRB. Last evaluated: 2021-11-26. Review status: criteria provided, single submitter. Criteria: ACMG Guidelines, 2015. Collection method: clinical testing. Allele origin: germline. Affected: yes. Observed: 1 variant allele.
Comment: ACMG criteria applied: PP3, BP2

Labcorp Genetics (formerly Invitae), Labcorp
Classification: Uncertain significance. Last evaluated: 2018-06-21. Review status: criteria provided, single submitter. Criteria: Invitae Variant Classification Sherloc (09022015). Collection method: clinical testing. Allele origin: germline.
Comment: This sequence change replaces arginine with serine at codon 31 of the HBB protein (p.Arg31Ser). The arginine residue is highly conserved and there is a moderate physicochemical difference between arginine and serine. This variant is present in population databases (rs1135071, ExAC 0.3%). This variant has been observed in individuals and families with elevated Hb A2 levels, but most individuals are either clinically unaffected or experience only mild anemia (PMID: 8226093, 4525423, 5869485, 3937827, 7357091). This variant is also known as Arg30Ser and Hb Tacoma in the literature. ClinVar contains an entry for this variant (Variation ID: 15368). Algorithms developed to predict the effect of missense changes on protein structure and function output the following: SIFT: "Tolerated"; PolyPhen-2: "Probably Damaging"; Align-GVGD: "Class C0". The serine amino acid residue is found in multiple mammalian species, suggesting that this missense change does not adversely affect protein function. These predictions have not been confirmed by published functional studies and their clinical significance is uncertain. Algorithms developed to predict the effect of sequence changes on RNA splicing suggest that this variant may disrupt the consensus splice site, but this prediction has not been confirmed by published transcriptional studies. In summary, the available evidence is currently insufficient to determine the role of this variant in disease. Therefore, it has been classified as a Variant of Uncertain Significance.

Natera, Inc.
Classification: Uncertain significance for Beta thalassemia. Last evaluated: 2021-03-16. Review status: no assertion criteria provided. Collection method: clinical testing. Allele origin: germline. Not counted in ClinVar's aggregate classification.

OMIM
Classification: Pathogenic for HEINZ BODY HEMOLYTIC ANEMIA. Last evaluated: 2002-02-01. Review status: no assertion criteria provided. Collection method: literature only. Allele origin: germline. Not counted in ClinVar's aggregate classification.

OMIM
Classification: Pathogenic for HEMOGLOBIN TACOMA. Last evaluated: 2002-02-01. Review status: flagged submission. Collection method: literature only. Allele origin: germline. Not counted in ClinVar's aggregate classification.
ClinVar note: Reason: This record appears to be redundant with a more recent record from the same submitter.
ClinVar note: Notes: SCV000036888 appears to be redundant with SCV000036889.

Literature cited by the submitters: PubMed 8226093 (cited by 3 submitters); PubMed 6859036 (cited by Women's Health and Genetics/Laboratory Corporation of America, LabCorp); PubMed 7357091 (cited by 3 submitters); PubMed 711920 (cited by Women's Health and Genetics/Laboratory Corporation of America, LabCorp); PubMed 3937827 (cited by 4 submitters); PubMed 4407364 (cited by Women's Health and Genetics/Laboratory Corporation of America, LabCorp); PubMed 10975446 (cited by Women's Health and Genetics/Laboratory Corporation of America, LabCorp and Quest Diagnostics Nichols Institute San Juan Capistrano); PubMed 36633442 (cited by Women's Health and Genetics/Laboratory Corporation of America, LabCorp and Quest Diagnostics Nichols Institute San Juan Capistrano); PubMed 34233561 (cited by Women's Health and Genetics/Laboratory Corporation of America, LabCorp and Quest Diagnostics Nichols Institute San Juan Capistrano); PubMed 19429541 (cited by Quest Diagnostics Nichols Institute San Juan Capistrano); PubMed 5869485 (cited by 3 submitters); PubMed 5785231 (cited by Quest Diagnostics Nichols Institute San Juan Capistrano and OMIM); PubMed 31553106 (cited by Quest Diagnostics Nichols Institute San Juan Capistrano); PubMed 28379995 (cited by Quest Diagnostics Nichols Institute San Juan Capistrano); PubMed 25130136 (cited by Quest Diagnostics Nichols Institute San Juan Capistrano); PubMed 9140720 (cited by Quest Diagnostics Nichols Institute San Juan Capistrano); PubMed 4525423 (cited by Labcorp Genetics (formerly Invitae), Labcorp and OMIM); PubMed 11939506 (cited by OMIM).